The following is an entry in ClinVar:

ClinVar aggregate classification (germline): Uncertain significance. Review status: criteria provided, multiple submitters, no conflicts (2 of 4 stars). 3 submissions from 3 submitters: Uncertain significance (3). Last evaluated 2025-11-29.

Conditions:
Hereditary cancer-predisposing syndrome. Also called: Tumor predisposition; Neoplastic Syndromes, Hereditary; Hereditary Cancer Syndrome; Hereditary neoplastic syndrome. Identifiers: Orphanet 140162, MedGen C0027672, MeSH D009386, MONDO:0015356.
Familial cancer of breast. Also called: hereditary breast carcinoma; Hereditary breast cancer; BREAST CANCER, FAMILIAL. Identifiers: Orphanet 227535, MedGen C0346153, MONDO:0016419, OMIM 114480. Disease mechanism: loss of function.

Submissions (3):

Ambry Genetics
Classification: Uncertain significance for Hereditary cancer-predisposing syndrome. Last evaluated: 2025-11-29. Review status: criteria provided, single submitter. Criteria: Ambry Variant Classification Scheme 2023. Collection method: clinical testing. Allele origin: germline.
Comment: The p.P508R variant (also known as c.1523C>G), located in coding exon 4 of the PALB2 gene, results from a C to G substitution at nucleotide position 1523. The proline at codon 508 is replaced by arginine, an amino acid with dissimilar properties. This amino acid position is poorly conserved in available vertebrate species. In addition, this alteration is predicted to be tolerated by in silico analysis. Since supporting evidence is limited at this time, the clinical significance of this alteration remains unclear.

Labcorp Genetics (formerly Invitae), Labcorp
Classification: Uncertain significance for Familial cancer of breast. Last evaluated: 2025-09-08. Review status: criteria provided, single submitter. Criteria: Invitae Variant Classification Sherloc (09022015). Collection method: clinical testing. Allele origin: germline.
Comment: This sequence change replaces proline, which is neutral and non-polar, with arginine, which is basic and polar, at codon 508 of the PALB2 protein (p.Pro508Arg). This variant is not present in population databases (gnomAD no frequency). This variant has not been reported in the literature in individuals affected with PALB2-related conditions. ClinVar contains an entry for this variant (Variation ID: 1709173). Invitae Evidence Modeling of protein sequence and biophysical properties (such as structural, functional, and spatial information, amino acid conservation, physicochemical variation, residue mobility, and thermodynamic stability) indicates that this missense variant is not expected to disrupt PALB2 protein function with a negative predictive value of 80%. In summary, the available evidence is currently insufficient to determine the role of this variant in disease. Therefore, it has been classified as a Variant of Uncertain Significance.

MGZ Medical Genetics Center
Classification: Uncertain significance for Familial cancer of breast. Last evaluated: 2021-09-01. Review status: criteria provided, single submitter. Criteria: ACMG Guidelines, 2015. Collection method: clinical testing. Allele origin: germline. Affected: yes. Observed: 1 variant allele.
Comment: ACMG criteria applied: PM2_SUP, BP4

NM_024675.4(PALB2):c.1523C>G (p.Pro508Arg)

Gene: PALB2 (partner and localizer of BRCA2; minus strand). Cytogenetic location: 16p12.2.
Variant type: single nucleotide variant.
Coding change: c.1523C>G on transcript NM_024675.4 (MANE Select); coding-DNA position 1523, C replaced by G.
Protein change: p.Pro508Arg; replaces proline 508 with arginine.
Molecular consequence: missense variant.
Genome position (GRCh38, 1-based): chr16:23,635,023, G>C on the plus strand (C>G on the coding strand, the complement: PALB2 is on the minus strand). VCF-style: chr16-23635023-G-C. GRCh37 (hg19) VCF-style: chr16-23646344-G-C.
Other names: c.1463C>G, p.Pro488Arg (NM_001407296.1); c.1523C>G, p.Pro508Arg (NM_001407297.1, NM_001407298.1, NM_001407299.1 and 3 more transcripts); c.638C>G, p.Pro213Arg (NM_001407304.1, NM_001407305.1, NM_001407306.1 and 5 more transcripts); short protein forms P213R, P488R, P508R.
Identifiers: ClinVar variation 1709173 (VCV001709173.7), dbSNP rs2142413565, ClinGen allele CA395130963.